The following is an entry in ClinVar:

NM_014844.5(TECPR2):c.19C>A (p.Pro7Thr)

Gene: TECPR2 (tectonin beta-propeller repeat containing 2; plus strand). Cytogenetic location: 14q32.31.
Variant type: single nucleotide variant.
Coding change: c.19C>A on transcript NM_014844.5 (MANE Select); coding-DNA position 19, C replaced by A.
Protein change: p.Pro7Thr; replaces proline 7 with threonine.
Molecular consequence: missense variant.
Genome position (GRCh38, 1-based): chr14:102,376,740, C>A. VCF-style: chr14-102376740-C-A. GRCh37 (hg19) VCF-style: chr14-102843077-C-A.
Other names: c.19C>A, p.Pro7Thr (NM_001172631.3); short protein forms P7T.
Identifiers: ClinVar variation 4805517 (VCV004805517.1).

ClinVar aggregate classification (germline): Uncertain significance (1 of 4 stars; one submission).

Conditions:
Hereditary spastic paraplegia 49 (HSAN9). Also called: TECPR2-Related Hereditary Sensory and Autonomic Neuropathy with Intellectual Disability; Spastic paraplegia 49, autosomal recessive; NEUROPATHY, HEREDITARY SENSORY AND AUTONOMIC, TYPE IX, WITH DEVELOPMENTAL DELAY. Identifiers: Orphanet 320385, MedGen C5190860, MONDO:0014016, OMIM 615031.

Submission:

Labcorp Genetics (formerly Invitae), Labcorp
Classification: Uncertain significance for Hereditary spastic paraplegia 49. Last evaluated: 2025-02-10. Review status: criteria provided, single submitter. Criteria: Invitae Variant Classification Sherloc (09022015). Collection method: clinical testing. Allele origin: germline.
Comment: This sequence change replaces proline, which is neutral and non-polar, with threonine, which is neutral and polar, at codon 7 of the TECPR2 protein (p.Pro7Thr). This variant is not present in population databases (gnomAD no frequency). This variant has not been reported in the literature in individuals affected with TECPR2-related conditions. An algorithm developed to predict the effect of missense changes on protein structure and function (PolyPhen-2) suggests that this variant is likely to be tolerated. In summary, the available evidence is currently insufficient to determine the role of this variant in disease. Therefore, it has been classified as a Variant of Uncertain Significance.